The following is an entry in ClinVar:

NM_001083116.3(PRF1):c.559C>T (p.Pro187Ser)

Gene: PRF1 (perforin 1; minus strand). Cytogenetic location: 10q22.1.
Variant type: single nucleotide variant.
Coding change: c.559C>T on transcript NM_001083116.3 (MANE Select); coding-DNA position 559, C replaced by T.
Protein change: p.Pro187Ser; replaces proline 187 with serine.
Molecular consequence: missense variant.
Genome position (GRCh38, 1-based): chr10:70,599,162, G>A on the plus strand (C>T on the coding strand, the complement: PRF1 is on the minus strand). VCF-style: chr10-70599162-G-A. GRCh37 (hg19) VCF-style: chr10-72358918-G-A.
Other names: c.559C>T, p.Pro187Ser (NM_005041.6); short protein forms P187S.
Identifiers: ClinVar variation 1343516 (VCV001343516.5), dbSNP rs780042742, ClinGen allele CA5538975.
Genomic context (GRCh38, chr10:70,599,162, plus strand): 5'-AGGCGTTGAAGTGGTGGGGCAGGTCCCCGAGGGCCCTCTTGAAGTCAGGGTGCAGCGGGG[G>A]AGTGTGTACCACATGGAAACTGCGAGAAGAGAGAGACCTCAGCTGGGCCCAGGGGAGTAT-3'
Protein context (NP_001076585.1, residues 177-197): RFYSFHVVHT[Pro187Ser]PLHPDFKRAL

ClinVar aggregate classification (germline): Uncertain significance. Review status: criteria provided, multiple submitters, no conflicts (2 of 4 stars). 4 submissions from 4 submitters: Uncertain significance (4). Last evaluated 2026-03-01.

Conditions:
Familial hemophagocytic lymphohistiocytosis 2 (FHL2). Also called: PRF1-Related Familial Hemophagocytic Lymphohistiocytosis (PRF1-fHLH). Identifiers: Orphanet 540, MedGen C1863727, MONDO:0011337, OMIM 603553.
Inborn genetic diseases. Identifiers: MedGen C0950123, MeSH D030342.

Allele frequency attached by ClinVar (database versions not stated): TOPMed below 0.00001; gnomAD 0.00001; gnomAD exomes 0.00003; ExAC 0.00005.

Submissions (4):

GeneDx
Classification: Uncertain significance. Last evaluated: 2026-03-01. Review status: criteria provided, single submitter. Criteria: GeneDx Variant Classification Process June 2021. Collection method: clinical testing. Allele origin: germline.
Comment: Identified with second variant in a patient with pneumonia and septic arthritis in published literature (PMID: 33225392); In silico analysis supports that this missense variant has a deleterious effect on protein structure/function; This variant is associated with the following publications: (PMID: 33225392, 39434014)

Labcorp Genetics (formerly Invitae), Labcorp
Classification: Uncertain significance for Familial hemophagocytic lymphohistiocytosis 2. Last evaluated: 2022-07-01. Review status: criteria provided, single submitter. Criteria: Invitae Variant Classification Sherloc (09022015). Collection method: clinical testing. Allele origin: germline.
Comment: This sequence change replaces proline, which is neutral and non-polar, with serine, which is neutral and polar, at codon 187 of the PRF1 protein (p.Pro187Ser). This variant is present in population databases (rs780042742, gnomAD 0.03%). This missense change has been observed in individual(s) with primary immunodeficiency (PMID: 33225392). ClinVar contains an entry for this variant (Variation ID: 1343516). Algorithms developed to predict the effect of missense changes on protein structure and function are either unavailable or do not agree on the potential impact of this missense change (SIFT: "Tolerated"; PolyPhen-2: "Probably Damaging"; Align-GVGD: "Class C0"). In summary, the available evidence is currently insufficient to determine the role of this variant in disease. Therefore, it has been classified as a Variant of Uncertain Significance.

Women's Health and Genetics/Laboratory Corporation of America, LabCorp
Classification: Uncertain significance. Last evaluated: 2022-02-18. Review status: criteria provided, single submitter. Criteria: LabCorp Variant Classification Summary - May 2015. Collection method: clinical testing. Allele origin: germline.
Comment: Variant summary: PRF1 c.559C>T (p.Pro187Ser) results in a non-conservative amino acid change located in the Membrane attack complex component/perforin (MACPF) domain (IPR020864) of the encoded protein sequence. Five of five in-silico tools predict a damaging effect of the variant on protein function. The variant allele was found at a frequency of 3.2e-05 in 248456 control chromosomes (gnomAD). The available data on variant occurrences in the general population are insufficient to allow any conclusion about variant significance. c.559C>T has been reported in the literature in at least one individual affected with Primary immunodeficiency diseases (Arunachalam_2020). The data does not allow any conclusion about variant significance. To our knowledge, no experimental evidence demonstrating an impact on protein function has been reported. No clinical diagnostic laboratories have submitted clinical-significance assessments for this variant to ClinVar after 2014. Based on the evidence outlined above, the variant was classified as uncertain significance.

Ambry Genetics
Classification: Uncertain significance for Inborn genetic diseases. Last evaluated: 2021-02-11. Review status: criteria provided, single submitter. Criteria: Ambry Variant Classification Scheme 2023. Collection method: clinical testing. Allele origin: germline.
Comment: The c.559C>T (p.P187S) alteration is located in exon 3 (coding exon 2) of the PRF1 gene. This alteration results from a C to T substitution at nucleotide position 559, causing the proline (P) at amino acid position 187 to be replaced by a serine (S). The in silico prediction for the p.P187S alteration is inconclusive. Based on insufficient or conflicting evidence, the clinical significance of this alteration remains unclear.

Literature cited by the submitters: PubMed 33225392 (cited by Labcorp Genetics (formerly Invitae), Labcorp and Women's Health and Genetics/Laboratory Corporation of America, LabCorp).